The following is an entry in ClinVar:

ClinVar aggregate classification (germline): Likely pathogenic (1 of 4 stars; one submission).

Conditions:
Suleiman-El-Hattab syndrome. Identifiers: MedGen C5436458, MONDO:0033532, OMIM 618950.

Submission:

Department of Medical Genetics, Gazi University
Classification: Likely pathogenic for Suleiman-El-Hattab syndrome. Last evaluated: 2023-01-16. Review status: criteria provided, single submitter. Criteria: ACMG Guidelines, 2015. Collection method: clinical testing. Allele origin: biparental. Inheritance: Autosomal recessive inheritance. Affected: yes.
Comment: Since all reported pathogenic variants in the only known genetic disorder related to the TASP1 gene, Suleiman-El-Hattab syndrome, were biallelic variants predicted to result in loss-of-function, the homozygous variant is classified as likely pathogenic (ACMG criteria: PVS1, PM2).

NM_017714.3(TASP1):c.404-2A>G

Gene: TASP1 (taspase 1; minus strand). Cytogenetic location: 20p12.1.
Variant type: single nucleotide variant.
Coding change: c.404-2A>G on transcript NM_017714.3 (MANE Select); the canonical splice acceptor site of the intron before coding-DNA position 404, A replaced by G.
Molecular consequence: splice acceptor variant. On other transcripts: intron variant (1).
Genome position (GRCh38, 1-based): chr20:13,580,983, T>C on the plus strand (A>G on the coding strand, the complement: TASP1 is on the minus strand). VCF-style: chr20-13580983-T-C. GRCh37 (hg19) VCF-style: chr20-13561630-T-C.
Other names: c.282+42463A>G (NM_001323602.2); c.98-2A>G (NM_001323604.2, NM_001323603.2).
Identifiers: ClinVar variation 1992428 (VCV001992428.1), dbSNP rs867871906, ClinGen allele CA408293547.